The following is an entry in ClinVar:

NM_001849.4(COL6A2):c.1975C>T (p.Arg659Cys)

Gene: COL6A2 (collagen type VI alpha 2 chain; plus strand). Cytogenetic location: 21q22.3.
Variant type: single nucleotide variant.
Coding change: c.1975C>T on transcript NM_001849.4 (MANE Select); coding-DNA position 1975, C replaced by T.
Protein change: p.Arg659Cys; replaces arginine 659 with cysteine.
Molecular consequence: missense variant.
Genome position (GRCh38, 1-based): chr21:46,125,790, C>T. VCF-style: chr21-46125790-C-T. GRCh37 (hg19) VCF-style: chr21-47545704-C-T.
Other names: c.1975C>T, p.Arg659Cys (NM_058174.3, NM_058175.3); short protein forms R659C.
Identifiers: ClinVar variation 1425575 (VCV001425575.9), dbSNP rs727502830, ClinGen allele CA295296.

ClinVar aggregate classification (germline): Uncertain significance. Review status: criteria provided, multiple submitters, no conflicts (2 of 4 stars). 3 submissions from 3 submitters: Uncertain significance (3). Last evaluated 2024-11-19.

Conditions:
COL6A2-related disorder.
Bethlem myopathy 1A. Also called: Bethlem Muscular Dystrophy; MYOPATHY, BENIGN CONGENITAL, WITH CONTRACTURES; Bethlem myopathy 1. Identifiers: Orphanet 610, MedGen CN029274, MONDO:0024530, OMIM 158810.

Allele frequency attached by ClinVar (database versions not stated): TOPMed below 0.00001; gnomAD exomes 0.00001.
gnomAD v4.1: 14 of 1,611,494 alleles (0.00087%); highest among the groups gnomAD compares: Non-Finnish European, 0.0012%; no homozygotes.

Submissions (3):

Labcorp Genetics (formerly Invitae), Labcorp
Classification: Uncertain significance for Bethlem myopathy 1A. Last evaluated: 2024-11-19. Review status: criteria provided, single submitter. Criteria: Invitae Variant Classification Sherloc (09022015). Collection method: clinical testing. Allele origin: germline.
Comment: This sequence change replaces arginine, which is basic and polar, with cysteine, which is neutral and slightly polar, at codon 659 of the COL6A2 protein (p.Arg659Cys). This variant is not present in population databases (gnomAD no frequency). This missense change has been observed in individual(s) with difficulty walking and scoliosis (PMID: 31066050, 32528171). ClinVar contains an entry for this variant (Variation ID: 1425575). Invitae Evidence Modeling of protein sequence and biophysical properties (such as structural, functional, and spatial information, amino acid conservation, physicochemical variation, residue mobility, and thermodynamic stability) indicates that this missense variant is expected to disrupt COL6A2 protein function with a positive predictive value of 80%. In summary, the available evidence is currently insufficient to determine the role of this variant in disease. Therefore, it has been classified as a Variant of Uncertain Significance.

Revvity Omics, Revvity
Classification: Uncertain significance. Last evaluated: 2023-10-20. Review status: criteria provided, single submitter. Criteria: ACMG Guidelines, 2015. Collection method: clinical testing. Allele origin: germline.

PreventionGenetics, part of Exact Sciences
Classification: Uncertain significance for COL6A2-related condition. Last evaluated: 2023-04-10. Review status: criteria provided, single submitter. Criteria: ACMG Guidelines, 2015. Collection method: clinical testing. Allele origin: germline.
Comment: The COL6A2 c.1975C>T variant is predicted to result in the amino acid substitution p.Arg659Cys. This variant was reported in the homozygous state in two siblings with walking difficulties and scoliosis and in another large cohort study of individuals with limb girdle weakness (Özyilmaz et al 2019. PubMed ID: 31066050; Töpf A et al 2020. PubMed ID: 32528171). This variant has not been reported in a large population database, indicating this variant is rare. Although we suspect this variant could be pathogenic, at this time, the clinical significance of this variant is uncertain due to the absence of conclusive functional and genetic evidence.

Literature cited by the submitters: PubMed 31066050 (cited by Labcorp Genetics (formerly Invitae), Labcorp); PubMed 32528171 (cited by Labcorp Genetics (formerly Invitae), Labcorp).